The following is an entry in ClinVar:

NM_000426.4(LAMA2):c.6430-18A>G

Gene: LAMA2 (laminin subunit alpha 2; plus strand). Cytogenetic location: 6q22.33.
Variant type: single nucleotide variant.
Coding change: c.6430-18A>G on transcript NM_000426.4 (MANE Select); 18 bases into the intron before coding-DNA position 6430, A replaced by G.
Molecular consequence: intron variant.
Genome position (GRCh38, 1-based): chr6:129,452,970, A>G. VCF-style: chr6-129452970-A-G. GRCh37 (hg19) VCF-style: chr6-129774115-A-G.
Other names: c.6430-18A>G (NM_001079823.2).
Identifiers: ClinVar variation 508359 (VCV000508359.6), dbSNP rs1424400019, ClinGen allele CA570053875.

ClinVar aggregate classification (germline): Likely benign. Review status: criteria provided, multiple submitters, no conflicts (2 of 4 stars). 2 submissions from 2 submitters: Likely benign (2). Last evaluated 2025-05-12.

Conditions:
LAMA2-related muscular dystrophy (LAMA2-RD). Also called: Laminin alpha 2-related dystrophy. Identifiers: MedGen C5679788, MONDO:0100228.

Allele frequency attached by ClinVar (database versions not stated): gnomAD exomes below 0.00001 and 0.00001; gnomAD 0.00001 and 0.00002; TOPMed 0.00002.
gnomAD v4.1: 11 of 1,608,986 alleles (0.00068%); highest among the groups gnomAD compares: Admixed American, 0.0033%; no homozygotes.

Submissions (2):

Labcorp Genetics (formerly Invitae), Labcorp
Classification: Likely benign for LAMA2-related muscular dystrophy. Last evaluated: 2025-05-12. Review status: criteria provided, single submitter. Criteria: Invitae Variant Classification Sherloc (09022015). Collection method: clinical testing. Allele origin: germline.

GeneDx
Classification: Likely benign. Last evaluated: 2017-03-27. Review status: criteria provided, single submitter. Criteria: GeneDx Variant Classification (06012015). Collection method: clinical testing. Allele origin: germline. Affected: yes.
Comment: This variant is considered likely benign or benign based on one or more of the following criteria: it is a conservative change, it occurs at a poorly conserved position in the protein, it is predicted to be benign by multiple in silico algorithms, and/or has population frequency not consistent with disease.